The following is an entry in ClinVar:

NM_031220.4(PITPNM3):c.1622G>T (p.Arg541Leu)

Gene: PITPNM3 (PITPNM family member 3; minus strand). Cytogenetic location: 17p13.2.
Variant type: single nucleotide variant.
Coding change: c.1622G>T on transcript NM_031220.4 (MANE Select); coding-DNA position 1622, G replaced by T.
Protein change: p.Arg541Leu; replaces arginine 541 with leucine.
Molecular consequence: missense variant.
Genome position (GRCh38, 1-based): chr17:6,471,163, C>A on the plus strand (G>T on the coding strand, the complement: PITPNM3 is on the minus strand). VCF-style: chr17-6471163-C-A. GRCh37 (hg19) VCF-style: chr17-6374483-C-A.
Other names: c.1514G>T, p.Arg505Leu (NM_001165966.2); short protein forms R541L, R505L.
Identifiers: ClinVar variation 1992065 (VCV001992065.4), dbSNP rs201356209, ClinGen allele CA397404876.
Genomic context (GRCh38, chr17:6,471,163, plus strand): 5'-CCAGAGGAAGGTTCCCCTCCCCCGAATCCAGGCAGGGCCCCAAAAGGACCTCACTCACTG[C>A]GGGAGGCACCCACGGGTGCCATGCTGTCCGAGGACTCCGAGCTCTCGCTGTGGGAGCTCC-3'
Protein context (NP_112497.2, residues 531-551): SDSMAPVGAS[Arg541Leu]ITAKWWGSKR

ClinVar aggregate classification (germline): Uncertain significance (1 of 4 stars; one submission).

gnomAD v4.1: 1 of 1,612,178 alleles (0.000062%); highest among the groups gnomAD compares: Non-Finnish European, 0.000085%; no homozygotes.

Submission:

Labcorp Genetics (formerly Invitae), Labcorp
Classification: Uncertain significance. Last evaluated: 2024-10-26. Review status: criteria provided, single submitter. Criteria: Invitae Variant Classification Sherloc (09022015). Collection method: clinical testing. Allele origin: germline.
Comment: This sequence change replaces arginine, which is basic and polar, with leucine, which is neutral and non-polar, at codon 541 of the PITPNM3 protein (p.Arg541Leu). This variant is not present in population databases (gnomAD no frequency). This variant has not been reported in the literature in individuals affected with PITPNM3-related conditions. ClinVar contains an entry for this variant (Variation ID: 1992065). An algorithm developed to predict the effect of missense changes on protein structure and function (PolyPhen-2) suggests that this variant is likely to be tolerated. In summary, the available evidence is currently insufficient to determine the role of this variant in disease. Therefore, it has been classified as a Variant of Uncertain Significance.